The following is an entry in ClinVar:

ClinVar aggregate classification (germline): Likely benign. Review status: criteria provided, single submitter (1 of 4 stars). 3 submissions from 3 submitters: Likely benign (1). 2 of the submissions do not count toward it. Last evaluated 2024-05-06.

Conditions:
HYCC1-related disorder. Also called: HYCC1-related condition.
Hypomyelination and Congenital Cataract (HLD5). Also called: hypomyelinating leukodystrophy 5. Identifiers: Orphanet 85163, MedGen C1864663, MONDO:0012514, OMIM 610532.

Allele frequency attached by ClinVar (database versions not stated): ESP Exome Variant Server 0.00008; gnomAD 0.00011; TOPMed 0.00012; ExAC 0.00016; gnomAD exomes 0.00022.
gnomAD v4.1: 158 of 1,610,822 alleles (0.0098%); highest among the groups gnomAD compares: Admixed American, 0.018%; no homozygotes.

Submissions (3):

Labcorp Genetics (formerly Invitae), Labcorp
Classification: Likely benign for Hypomyelination and Congenital Cataract. Last evaluated: 2024-05-06. Review status: criteria provided, single submitter. Criteria: Invitae Variant Classification Sherloc (09022015). Collection method: clinical testing. Allele origin: germline.

PreventionGenetics, part of Exact Sciences
Classification: Likely benign for HYCC1-related condition. Last evaluated: 2022-10-24. Review status: no assertion criteria provided. Collection method: clinical testing. Allele origin: germline. Not counted in ClinVar's aggregate classification.
Comment: This variant is classified as likely benign based on ACMG/AMP sequence variant interpretation guidelines (Richards et al. 2015 PMID: 25741868, with internal and published modifications).

Department of Pathology and Laboratory Medicine, Sinai Health System
Classification: Uncertain significance. Review status: no assertion criteria provided. Collection method: clinical testing. Allele origin: unknown. Affected: yes. Study: The Canadian Open Genetics Repository (COGR). Not counted in ClinVar's aggregate classification.
Comment: The FAM126A p.Gly7Arg variant was not identified in the literature nor was it identified in ClinVar or LOVD 3.0. The variant was identified in dbSNP (ID: rs370072584) and in control databases in 56 of 282614 chromosomes at a frequency of 0.0001982 (Genome Aggregation Database March 6, 2019, v2.1.1). The variant was observed in the following populations: Ashkenazi Jewish in 38 of 10368 chromosomes (freq: 0.003665), Other in 4 of 7216 chromosomes (freq: 0.000554), Latino in 8 of 35424 chromosomes (freq: 0.000226), European (Finnish) in 1 of 25056 chromosomes (freq: 0.00004), South Asian in 1 of 30598 chromosomes (freq: 0.000033) and European (non-Finnish) in 4 of 129052 chromosomes (freq: 0.000031), but was not observed in the African or East Asian populations. The p.Gly7 residue is conserved in mammals and computational analyses (PolyPhen-2, SIFT, AlignGVGD, BLOSUM, MutationTaster) provide inconsistent predictions regarding the impact to the protein; this information is not very predictive of pathogenicity. The variant occurs outside of the splicing consensus sequence and in silico or computational prediction software programs (SpliceSiteFinder, MaxEntScan, NNSPLICE, GeneSplicer) do not predict a difference in splicing. In summary, based on the above information the clinical significance of this variant cannot be determined with certainty at this time. This variant is classified as a variant of uncertain significance.

NM_032581.4(HYCC1):c.19G>C (p.Gly7Arg)

Gene: HYCC1 (hyccin PI4KA lipid kinase complex subunit 1; minus strand). Cytogenetic location: 7p15.3.
Variant type: single nucleotide variant.
Coding change: c.19G>C on transcript NM_032581.4 (MANE Select); coding-DNA position 19, G replaced by C.
Protein change: p.Gly7Arg; replaces glycine 7 with arginine.
Molecular consequence: missense variant.
Genome position (GRCh38, 1-based): chr7:22,991,093, C>G on the plus strand (G>C on the coding strand, the complement: HYCC1 is on the minus strand). VCF-style: chr7-22991093-C-G. GRCh37 (hg19) VCF-style: chr7-23030712-C-G.
Other names: c.19G>C, p.Gly7Arg (NM_001363466.2, NM_001363467.2); short protein forms G7R.
Identifiers: ClinVar variation 798150 (VCV000798150.11), dbSNP rs370072584, ClinGen allele CA4186141.